The following is an entry in ClinVar:

ClinVar aggregate classification (germline): Uncertain significance (1 of 4 stars; one submission).

Conditions:
Diamond-Blackfan anemia. Also called: Blackfan Diamond syndrome; Aregenerative anemia chronic congenital; Red cell aplasia, pure hereditary; Congenital hypoplastic anemia; Aase syndrome. Identifiers: Orphanet 124, MedGen C1260899, MeSH D029503, MONDO:0015253, HP:0004810.

Submission:

Labcorp Genetics (formerly Invitae), Labcorp
Classification: Uncertain significance for Diamond-Blackfan anemia. Last evaluated: 2022-10-05. Review status: criteria provided, single submitter. Criteria: Invitae Variant Classification Sherloc (09022015). Collection method: clinical testing. Allele origin: germline.
Comment: In summary, the available evidence is currently insufficient to determine the role of this variant in disease. Therefore, it has been classified as a Variant of Uncertain Significance. Algorithms developed to predict the effect of missense changes on protein structure and function (SIFT, PolyPhen-2, Align-GVGD) all suggest that this variant is likely to be tolerated. This variant has not been reported in the literature in individuals affected with RPS10-related conditions. This variant is not present in population databases (gnomAD no frequency). This sequence change replaces arginine, which is basic and polar, with leucine, which is neutral and non-polar, at codon 55 of the RPS10 protein (p.Arg55Leu).

NM_001014.5(RPS10):c.164G>T (p.Arg55Leu)

Genes: RPS10 (ribosomal protein S10; minus strand), RPS10-NUDT3 (RPS10-NUDT3 readthrough; minus strand). Cytogenetic location: 6p21.31.
Variant type: single nucleotide variant.
Coding change: c.164G>T on transcript NM_001014.5 (MANE Select); coding-DNA position 164, G replaced by T.
Protein change: p.Arg55Leu; replaces arginine 55 with leucine.
Molecular consequence: missense variant.
Genome position (GRCh38, 1-based): chr6:34,424,827, C>A on the plus strand (G>T on the coding strand, the complement: RPS10 is on the minus strand). VCF-style: chr6-34424827-C-A. GRCh37 (hg19) VCF-style: chr6-34392604-C-A.
Other names: c.164G>T, p.Arg55Leu (NM_001202470.3, NM_001203245.3, NM_001204091.2); short protein forms R55L.
Identifiers: ClinVar variation 1721039 (VCV001721039.6), dbSNP rs1765898082, ClinGen allele CA363885316.